The following is an entry in ClinVar:

ClinVar aggregate classification (germline): Uncertain significance. Review status: criteria provided, multiple submitters, no conflicts (2 of 4 stars). 3 submissions from 3 submitters: Uncertain significance (3). Last evaluated 2023-08-24.

Conditions:
Fanconi anemia (FA). Also called: Fanconi's anemia. Identifiers: Orphanet 84, MedGen C0015625, MeSH D005199, MONDO:0019391.
Spermatogenic failure 28. Identifiers: MedGen C4748117, MONDO:0054732, OMIM 618086.
Premature ovarian failure 15. Identifiers: MedGen C4748170, MONDO:0054862, OMIM 618096.

Allele frequency attached by ClinVar (database versions not stated): gnomAD exomes below 0.00001 and 0.00001; ExAC 0.00001; ESP Exome Variant Server 0.00008.
gnomAD v4.1: 5 of 1,528,766 alleles (0.00033%); highest among the groups gnomAD compares: African/African-American, 0.0068%; no homozygotes.

Submissions (3):

Labcorp Genetics (formerly Invitae), Labcorp
Classification: Uncertain significance for Fanconi anemia. Last evaluated: 2023-08-24. Review status: criteria provided, single submitter. Criteria: Invitae Variant Classification Sherloc (09022015). Collection method: clinical testing. Allele origin: germline.
Comment: This sequence change replaces alanine, which is neutral and non-polar, with proline, which is neutral and non-polar, at codon 1563 of the FANCM protein (p.Ala1563Pro). In summary, the available evidence is currently insufficient to determine the role of this variant in disease. Therefore, it has been classified as a Variant of Uncertain Significance. An algorithm developed to predict the effect of missense changes on protein structure and function (PolyPhen-2) suggests that this variant is likely to be disruptive. ClinVar contains an entry for this variant (Variation ID: 1315012). This variant has not been reported in the literature in individuals affected with FANCM-related conditions. This variant is present in population databases (rs377410891, gnomAD 0.008%).

GeneDx
Classification: Uncertain significance. Last evaluated: 2023-05-05. Review status: criteria provided, single submitter. Criteria: GeneDx Variant Classification Process June 2021. Collection method: clinical testing. Allele origin: germline. Affected: yes.
Comment: Not observed at significant frequency in large population cohorts (gnomAD); In silico analysis supports that this missense variant has a deleterious effect on protein structure/function; Has not been previously published as pathogenic or benign to our knowledge

Fulgent Genetics
Classification: Uncertain significance for Spermatogenic failure 28; Premature ovarian failure 15. Last evaluated: 2021-11-02. Review status: criteria provided, single submitter. Criteria: ACMG Guidelines, 2015. Collection method: clinical testing. Allele origin: unknown.

NM_020937.4(FANCM):c.4687G>C (p.Ala1563Pro)

Gene: FANCM (FA complementation group M; plus strand). Cytogenetic location: 14q21.2.
Variant type: single nucleotide variant.
Coding change: c.4687G>C on transcript NM_020937.4 (MANE Select); coding-DNA position 4687, G replaced by C.
Protein change: p.Ala1563Pro; replaces alanine 1563 with proline.
Molecular consequence: missense variant.
Genome position (GRCh38, 1-based): chr14:45,187,795, G>C. VCF-style: chr14-45187795-G-C. GRCh37 (hg19) VCF-style: chr14-45656998-G-C.
Other names: c.4609G>C, p.Ala1537Pro (NM_001308133.2); short protein forms A1537P, A1563P.
Identifiers: ClinVar variation 1315012 (VCV001315012.7), dbSNP rs377410891, ClinGen allele CA7169837.